The following is an entry in ClinVar:

ClinVar aggregate classification (germline): Benign. Review status: criteria provided, multiple submitters, no conflicts (2 of 4 stars). 3 submissions from 3 submitters: Benign (2). 1 of the submissions does not count toward it. Last evaluated 2026-02-03.

Conditions:
SAMD11-related disorder. Also called: SAMD11-related condition.

Allele frequency attached by ClinVar (database versions not stated): TOPMed 0.02700; gnomAD exomes 0.03448; ExAC 0.04687; 1000 Genomes Project 30x 0.05372; 1000 Genomes Project 0.05491.
gnomAD v4.1: 14,994 of 1,463,110 alleles (1%); highest among the groups gnomAD compares: East Asian, 14%; 738 homozygotes.

Submissions (15):

Labcorp Genetics (formerly Invitae), Labcorp
Classification: Benign. Last evaluated: 2026-02-03. Review status: criteria provided, single submitter. Criteria: Invitae Variant Classification Sherloc (09022015). Collection method: clinical testing. Allele origin: germline.

Breakthrough Genomics
Classification: Benign. Review status: criteria provided, single submitter. Criteria: ACMG Guidelines, 2015. Collection method: not provided. Allele origin: germline. Inheritance: Unknown mechanism. Affected: yes.

PreventionGenetics, part of Exact Sciences
Classification: Benign for SAMD11-related condition. Last evaluated: 2019-11-27. Review status: no assertion criteria provided. Collection method: clinical testing. Allele origin: germline. Not counted in ClinVar's aggregate classification.
Comment: This variant is classified as benign based on ACMG/AMP sequence variant interpretation guidelines (Richards et al. 2015 PMID: 25741868, with internal and published modifications).

Dr. Peter K. Rogan Lab, Western University
No classification provided (evidence only). Condition: Lung cancer. Review status: no classification provided. Collection method: in vitro. Allele origin: not applicable. Functional consequence: retained intron. Not counted in ClinVar's aggregate classification.

Dr. Peter K. Rogan Lab, Western University
No classification provided (evidence only). Condition: Uterine corpus endometrial carcinoma. Review status: no classification provided. Collection method: in vitro. Allele origin: not applicable. Functional consequence: retained intron. Not counted in ClinVar's aggregate classification.

Dr. Peter K. Rogan Lab, Western University
No classification provided (evidence only). Condition: Uterine corpus endometrial carcinoma. Review status: no classification provided. Collection method: in vitro. Allele origin: not applicable. Functional consequence: retained intron. Not counted in ClinVar's aggregate classification.

Dr. Peter K. Rogan Lab, Western University
No classification provided (evidence only). Condition: Sarcoma. Review status: no classification provided. Collection method: in vitro. Allele origin: not applicable. Functional consequence: retained intron. Not counted in ClinVar's aggregate classification.

Dr. Peter K. Rogan Lab, Western University
No classification provided (evidence only). Condition: Ovarian serous cystadenocarcinoma. Review status: no classification provided. Collection method: in vitro. Allele origin: not applicable. Functional consequence: retained intron. Not counted in ClinVar's aggregate classification.

Dr. Peter K. Rogan Lab, Western University
No classification provided (evidence only). Condition: Ovarian serous cystadenocarcinoma. Review status: no classification provided. Collection method: in vitro. Allele origin: not applicable. Functional consequence: retained intron. Not counted in ClinVar's aggregate classification.

Dr. Peter K. Rogan Lab, Western University
No classification provided (evidence only). Condition: Ovarian serous cystadenocarcinoma. Review status: no classification provided. Collection method: in vitro. Allele origin: not applicable. Functional consequence: retained intron. Not counted in ClinVar's aggregate classification.

Dr. Peter K. Rogan Lab, Western University
No classification provided (evidence only). Condition: Uterine carcinosarcoma. Review status: no classification provided. Collection method: in vitro. Allele origin: not applicable. Functional consequence: retained intron. Not counted in ClinVar's aggregate classification.

Dr. Peter K. Rogan Lab, Western University
No classification provided (evidence only). Condition: Uterine carcinosarcoma. Review status: no classification provided. Collection method: in vitro. Allele origin: not applicable. Functional consequence: retained intron. Not counted in ClinVar's aggregate classification.

Dr. Peter K. Rogan Lab, Western University
No classification provided (evidence only). Condition: Familial pancreatic carcinoma. Review status: no classification provided. Collection method: in vitro. Allele origin: not applicable. Functional consequence: retained intron. Not counted in ClinVar's aggregate classification.

Dr. Peter K. Rogan Lab, Western University
No classification provided (evidence only). Condition: Hepatocellular carcinoma. Review status: no classification provided. Collection method: in vitro. Allele origin: not applicable. Functional consequence: retained intron. Not counted in ClinVar's aggregate classification.

Dr. Peter K. Rogan Lab, Western University
No classification provided (evidence only). Condition: Ovarian cancer. Review status: no classification provided. Collection method: in vitro. Allele origin: not applicable. Functional consequence: skipped exon, retained intron. Not counted in ClinVar's aggregate classification.

NM_001385641.1(SAMD11):c.1475-8C>G

Gene: SAMD11 (sterile alpha motif domain containing 11; plus strand). Cytogenetic location: 1p36.33.
Variant type: single nucleotide variant.
Coding change: c.1475-8C>G on transcript NM_001385641.1 (MANE Select); 8 bases into the intron before coding-DNA position 1475, C replaced by G.
Molecular consequence: intron variant.
Genome position (GRCh38, 1-based): chr1:942,402, C>G. VCF-style: chr1-942402-C-G. GRCh37 (hg19) VCF-style: chr1-877782-C-G.
Other names: c.986-8C>G (NM_152486.2, NM_152486.4); c.1478-8C>G (NM_001385640.1).
Identifiers: ClinVar variation 1170012 (VCV001170012.13), dbSNP rs79037098, ClinGen allele CA502934.
Genomic context (GRCh38, chr1:942,402, plus strand): 5'-GGGATTGCAAAGGGCCGGCTCGGACCGCCTCGGACCCCCCGACCCCGCGTTGTCCCCCTC[C>G]CCACCAGGCTACGGCTTCCTGCCCCCCGCGCAGGCGGAGATGTTCGCCTGGCAGCAGGAG-3'